The following is an entry in ClinVar:

ClinVar aggregate classification (germline): Pathogenic (1 of 4 stars; one submission).

Conditions:
Spastic paraplegia. Identifiers: MedGen C0037772, HP:0001258.

Allele frequency attached by ClinVar (database versions not stated): gnomAD exomes below 0.00001.

Submission:

Labcorp Genetics (formerly Invitae), Labcorp
Classification: Pathogenic for Spastic paraplegia. Last evaluated: 2023-09-21. Review status: criteria provided, single submitter. Criteria: Invitae Variant Classification Sherloc (09022015). Collection method: clinical testing. Allele origin: germline.
Comment: For these reasons, this variant has been classified as Pathogenic. This variant disrupts a region of the SACS protein in which other variant(s) (p.Arg3903*) have been determined to be pathogenic (PMID: 19892370, 21745802). This suggests that this is a clinically significant region of the protein, and that variants that disrupt it are likely to be disease-causing. This variant has not been reported in the literature in individuals affected with SACS-related conditions. This variant is not present in population databases (gnomAD no frequency). This sequence change creates a premature translational stop signal (p.Ser1689Glufs*13) in the SACS gene. While this is not anticipated to result in nonsense mediated decay, it is expected to disrupt the last 2891 amino acid(s) of the SACS protein.

Literature cited by the submitters: PubMed 19892370; PubMed 21745802.

NM_014363.6(SACS):c.5063dup (p.Ser1689fs)

Gene: SACS (sacsin molecular chaperone; minus strand). Cytogenetic location: 13q12.12.
Variant type: Duplication.
Coding change: c.5063dup on transcript NM_014363.6 (MANE Select); coding-DNA position 5063, one base duplicated (A; older notation c.5063dupA).
Protein change: p.Ser1689fs; shifts the reading frame from serine 1689.
Molecular consequence: frameshift variant.
Genome position (GRCh38, 1-based): chr13:23,338,813, T duplicated on the plus strand (A on the coding strand, the reverse complement: SACS is on the minus strand). VCF-style (leftmost placement, unchanged base first): chr13-23338812-C-CT. GRCh37 (hg19) VCF-style: chr13-23912951-C-CT.
Other names: c.4622dup, p.Ser1542fs (NM_001278055.2); short protein forms S1542fs, S1689fs.
Identifiers: ClinVar variation 2803343 (VCV002803343.3), dbSNP rs2542272020, ClinGen allele CA2622329086.
Genomic context (GRCh38, chr13:23,338,812, plus strand): 5'-TGCTAAACTGGGGTTGGTTTCCTCAATTTTCAAGTACTTCAAATACATTGACTTTACACT[C>CT]TGAGTGAAAATGATAAGCCTGTGTCCACAGAGACTAAATTCATCCACAAGAGAATAAATA-3'